The following is an entry in ClinVar:

ClinVar aggregate classification (germline): Uncertain significance. Review status: criteria provided, multiple submitters, no conflicts (2 of 4 stars). 2 submissions from 2 submitters: Uncertain significance (2). Last evaluated 2025-10-29.

Conditions:
Renal cell carcinoma. Identifiers: Orphanet 217071, MedGen C0007134, MeSH D002292, MONDO:0005086, HP:0005584.
Hereditary cancer-predisposing syndrome. Also called: Neoplastic Syndromes, Hereditary; Tumor predisposition; Hereditary Cancer Syndrome; Hereditary neoplastic syndrome. Identifiers: Orphanet 140162, MedGen C0027672, MeSH D009386, MONDO:0015356.

Allele frequency attached by ClinVar (database versions not stated): gnomAD exomes below 0.00001.
gnomAD v4.1: 2 of 1,614,050 alleles (0.00012%); highest among the groups gnomAD compares: Non-Finnish European, 0.00017%; no homozygotes.

Submissions (2):

Labcorp Genetics (formerly Invitae), Labcorp
Classification: Uncertain significance for Renal cell carcinoma. Last evaluated: 2025-10-29. Review status: criteria provided, single submitter. Criteria: Invitae Variant Classification Sherloc (09022015). Collection method: clinical testing. Allele origin: germline.
Comment: This sequence change replaces cysteine, which is neutral and slightly polar, with tyrosine, which is neutral and polar, at codon 545 of the MET protein (p.Cys545Tyr). This variant is not present in population databases (gnomAD no frequency). This variant has not been reported in the literature in individuals affected with MET-related conditions. ClinVar contains an entry for this variant (Variation ID: 1776897). Invitae Evidence Modeling of protein sequence and biophysical properties (such as structural, functional, and spatial information, amino acid conservation, physicochemical variation, residue mobility, and thermodynamic stability) indicates that this missense variant is expected to disrupt MET protein function with a positive predictive value of 80%. In summary, the available evidence is currently insufficient to determine the role of this variant in disease. Therefore, it has been classified as a Variant of Uncertain Significance.

Ambry Genetics
Classification: Uncertain significance for Hereditary cancer-predisposing syndrome. Last evaluated: 2024-11-05. Review status: criteria provided, single submitter. Criteria: Ambry Variant Classification Scheme 2023. Collection method: clinical testing. Allele origin: germline.
Comment: The p.C545Y variant (also known as c.1634G>A), located in coding exon 4 of the MET gene, results from a G to A substitution at nucleotide position 1634. The cysteine at codon 545 is replaced by tyrosine, an amino acid with highly dissimilar properties. This amino acid position is highly conserved in available vertebrate species. In addition, this alteration is predicted to be deleterious by in silico analysis. Based on the available evidence, the clinical significance of this variant remains unclear.

NM_000245.4(MET):c.1634G>A (p.Cys545Tyr)

Gene: MET (MET proto-oncogene, receptor tyrosine kinase; plus strand). Cytogenetic location: 7q31.2.
Variant type: single nucleotide variant.
Coding change: c.1634G>A on transcript NM_000245.4 (MANE Select); coding-DNA position 1634, G replaced by A.
Protein change: p.Cys545Tyr; replaces cysteine 545 with tyrosine.
Molecular consequence: missense variant.
Genome position (GRCh38, 1-based): chr7:116,740,958, G>A. VCF-style: chr7-116740958-G-A. GRCh37 (hg19) VCF-style: chr7-116381012-G-A.
Other names: c.1634G>A, p.Cys545Tyr (NM_001127500.3, NM_001324401.3); c.344G>A, p.Cys115Tyr (NM_001324402.2); short protein forms C545Y, C115Y.
Identifiers: ClinVar variation 1776897 (VCV001776897.6), dbSNP rs2116836401, ClinGen allele CA368975590.